The following is an entry in ClinVar:

NM_000089.4(COL1A2):c.792+1G>A

Gene: COL1A2 (collagen type I alpha 2 chain; plus strand). Cytogenetic location: 7q21.3.
Variant type: single nucleotide variant.
Coding change: c.792+1G>A on transcript NM_000089.4 (MANE Select); the canonical splice donor site of the intron after coding-DNA position 792, G replaced by A.
Molecular consequence: splice donor variant.
Genome position (GRCh38, 1-based): chr7:94,408,824, G>A. VCF-style: chr7-94408824-G-A. GRCh37 (hg19) VCF-style: chr7-94038136-G-A.
Identifiers: ClinVar variation 3759115 (VCV003759115.2).

ClinVar aggregate classification (germline): Pathogenic (1 of 4 stars; one submission).

Conditions:
Ehlers-Danlos syndrome, classic type, 1 (EDSCL1). Also called: EHLERS-DANLOS SYNDROME, GRAVIS TYPE; EHLERS-DANLOS SYNDROME, SEVERE CLASSIC TYPE; Ehlers-Danlos syndrome, type 1; Ehlers-Danlos Syndrome, Classic Type, COL5A1-Related; EDS I. Identifiers: MedGen C0268335, MONDO:0019567, OMIM 130000.
Osteogenesis imperfecta type I (OI1). Also called: OI, TYPE I; OSTEOGENESIS IMPERFECTA TARDA; OSTEOGENESIS IMPERFECTA WITH BLUE SCLERAE; Osteogenesis imperfecta type 1; Lobstein's Disease; Lobstein disease. Identifiers: Orphanet 216796, Orphanet 666, MedGen C0023931, MONDO:0008146, OMIM 166200. Disease mechanism: loss of function.

Submission:

Labcorp Genetics (formerly Invitae), Labcorp
Classification: Pathogenic for Osteogenesis imperfecta type I; Ehlers-Danlos syndrome, classic type, 1. Last evaluated: 2024-02-17. Review status: criteria provided, single submitter. Criteria: Invitae Variant Classification Sherloc (09022015). Collection method: clinical testing. Allele origin: germline.
Comment: This sequence change affects a donor splice site in intron 16 of the COL1A2 gene. It is expected to disrupt RNA splicing. Variants that disrupt the donor or acceptor splice site typically lead to a loss of protein function (PMID: 16199547), and loss-of-function variants in COL1A2 are known to be pathogenic (PMID: 11288717, 15077201). This variant is not present in population databases (gnomAD no frequency). Disruption of this splice site has been observed in individual(s) with osteogenesis imperfecta type I and/or osteogenesis imperfecta type IV (PMID: 8257992, 36709916). Algorithms developed to predict the effect of sequence changes on RNA splicing suggest that this variant may disrupt the consensus splice site. For these reasons, this variant has been classified as Pathogenic.

Literature cited by the submitters: PubMed 16199547; PubMed 11288717; PubMed 15077201; PubMed 8257992; PubMed 36709916.